The following is an entry in ClinVar:

ClinVar aggregate classification (germline): Conflicting classifications of pathogenicity. Review status: criteria provided, conflicting classifications (1 of 4 stars). 4 submissions from 4 submitters: Uncertain significance (3); Benign (1). Last evaluated 2026-04-15.

Conditions:
Hereditary breast ovarian cancer syndrome. Also called: Hereditary breast and ovarian cancer syndrome (HBOC); Hereditary breast and/or ovarian cancer syndrome; Hereditary breast and ovarian cancer; BRCA1- and BRCA2-Associated Hereditary Breast and Ovarian Cancer; Hereditary breast and ovarian cancer syndrome; Breast and ovarian cancer. Identifiers: Orphanet 145, MedGen C0677776, MeSH D061325, MONDO:0003582. Disease mechanism: loss of function.
Breast-ovarian cancer, familial, susceptibility to, 1 (BROVCA1). Also called: BRCA1 Hereditary Breast and Ovarian Cancer; OVARIAN CANCER, SUSCEPTIBILITY TO. Identifiers: Orphanet 145, MedGen C2676676, MONDO:0011450, OMIM 604370. Disease mechanism: loss of function.
Hereditary cancer-predisposing syndrome. Also called: Hereditary neoplastic syndrome; Tumor predisposition; Neoplastic Syndromes, Hereditary; Hereditary Cancer Syndrome. Identifiers: Orphanet 140162, MedGen C0027672, MeSH D009386, MONDO:0015356.

Submissions (4):

Ambry Genetics
Classification: Uncertain significance for Hereditary cancer-predisposing syndrome. Last evaluated: 2026-04-15. Review status: criteria provided, single submitter. Criteria: Ambry Variant Classification Scheme 2023. Collection method: clinical testing. Allele origin: germline.
Comment: The p.N192S variant (also known as c.575A>G), located in coding exon 7 of the BRCA1 gene, results from an A to G substitution at nucleotide position 575. The asparagine at codon 192 is replaced by serine, an amino acid with highly similar properties. This amino acid position is not well conserved in available vertebrate species. In addition, the in silico prediction for this alteration is inconclusive. Based on the available evidence, the clinical significance of this variant remains unclear.

Labcorp Genetics (formerly Invitae), Labcorp
Classification: Uncertain significance for Hereditary breast ovarian cancer syndrome. Last evaluated: 2025-07-14. Review status: criteria provided, single submitter. Criteria: Invitae Variant Classification Sherloc (09022015). Collection method: clinical testing. Allele origin: germline.
Comment: This sequence change replaces asparagine, which is neutral and polar, with serine, which is neutral and polar, at codon 192 of the BRCA1 protein (p.Asn192Ser). This variant is not present in population databases (gnomAD no frequency). This missense change has been observed in individual(s) with clinical features of BRCA1-related conditions (PMID: 21520333). ClinVar contains an entry for this variant (Variation ID: 946696). Invitae Evidence Modeling of protein sequence and biophysical properties (such as structural, functional, and spatial information, amino acid conservation, physicochemical variation, residue mobility, and thermodynamic stability) indicates that this missense variant is not expected to disrupt BRCA1 protein function with a negative predictive value of 80%. In summary, the available evidence is currently insufficient to determine the role of this variant in disease. Therefore, it has been classified as a Variant of Uncertain Significance.

Myriad Genetics, Inc.
Classification: Benign for Breast-ovarian cancer, familial, susceptibility to, 1. Last evaluated: 2024-03-29. Review status: criteria provided, single submitter. Criteria: Myriad Autosomal Dominant, Autosomal Recessive and X-Linked Classification Criteria (2023). Collection method: clinical testing. Allele origin: unknown.
Comment: This variant is considered benign. This variant been observed in trans with a known pathogenic variant in one or more individuals. Compound heterozygosity for pathogenic variants in this gene is generally assumed to result in embryonic lethality. This variant is strongly associated with less severe personal and family histories of cancer, typical for individuals without pathogenic variants in this gene [PMID: 25085752].

Color Diagnostics, LLC DBA Color Health
Classification: Uncertain significance for Hereditary cancer-predisposing syndrome. Last evaluated: 2021-01-05. Review status: criteria provided, single submitter. Criteria: ACMG Guidelines, 2015. Collection method: clinical testing. Allele origin: germline.
Comment: This missense variant replaces asparagine with serine at codon 192 of the BRCA1 protein. Computational prediction suggests that this variant may not impact protein structure and function (internally defined REVEL score threshold <= 0.5, PMID: 27666373). To our knowledge, functional studies have not been reported for this variant. This variant has not been reported in individuals affected with hereditary cancer in the literature. This variant has not been identified in the general population by the Genome Aggregation Database (gnomAD). The available evidence is insufficient to determine the role of this variant in disease conclusively. Therefore, this variant is classified as a Variant of Uncertain Significance.

Literature cited by the submitters: PubMed 21520333 (cited by Labcorp Genetics (formerly Invitae), Labcorp); PubMed 25085752 (cited by Myriad Genetics, Inc.).

NM_007294.4(BRCA1):c.575A>G (p.Asn192Ser)

Gene: BRCA1 (BRCA1 DNA repair associated; minus strand). Cytogenetic location: 17q21.31.
Variant type: single nucleotide variant.
Coding change: c.575A>G on transcript NM_007294.4 (MANE Select); coding-DNA position 575, A replaced by G.
Protein change: p.Asn192Ser; replaces asparagine 192 with serine.
Molecular consequence: missense variant. On other transcripts: non-coding transcript variant (1).
Genome position (GRCh38, 1-based): chr17:43,097,262, T>C on the plus strand (A>G on the coding strand, the complement: BRCA1 is on the minus strand). VCF-style: chr17-43097262-T-C. GRCh37 (hg19) VCF-style: chr17-41249279-T-C.
Other names: c.434A>G, p.Asn145Ser (NM_001407734.1, NM_001407735.1, NM_001407736.1 and 43 more transcripts); c.431A>G, p.Asn144Ser (NM_001407740.1, NM_001407741.1, NM_001407742.1 and 26 more transcripts); c.362A>G, p.Asn121Ser (NM_001407853.1, NM_001407894.1, NM_001407895.1 and 12 more transcripts); c.575A>G, p.Asn192Ser (NM_001407854.1, NM_001407858.1, NM_001407859.1 and 59 more transcripts); c.572A>G, p.Asn191Ser (NM_001407860.1, NM_001407861.1, NM_001407972.1 and 41 more transcripts); c.365A>G, p.Asn122Ser (NM_001407879.1, NM_001407881.1, NM_001407882.1 and 27 more transcripts); c.194A>G, p.Asn65Ser (NM_001407959.1, NM_001407960.1, NM_001407963.1 and 1 more transcripts); c.191A>G, p.Asn64Ser (NM_001407962.1); and 4 more; short protein forms N192S, N145S, N166S, N189S, N122S, N121S, N147S, N191S.
Identifiers: ClinVar variation 946696 (VCV000946696.15), dbSNP rs2054178411, ClinGen allele CA10600975.